The following is an entry in ClinVar:

NM_015164.4(PLEKHM2):c.3035G>A (p.Arg1012Gln)

Gene: PLEKHM2 (pleckstrin homology and RUN domain containing M2; plus strand). Cytogenetic location: 1p36.21.
Variant type: single nucleotide variant.
Coding change: c.3035G>A on transcript NM_015164.4 (MANE Select); coding-DNA position 3035, G replaced by A.
Protein change: p.Arg1012Gln; replaces arginine 1012 with glutamine.
Molecular consequence: missense variant.
Genome position (GRCh38, 1-based): chr1:15,733,909, G>A. VCF-style: chr1-15733909-G-A. GRCh37 (hg19) VCF-style: chr1-16060404-G-A.
Other names: short protein forms R1012Q.
Identifiers: ClinVar variation 580413 (VCV000580413.10), dbSNP rs533946132, ClinGen allele CA617440.

ClinVar aggregate classification (germline): Uncertain significance. Review status: criteria provided, multiple submitters, no conflicts (2 of 4 stars). 3 submissions from 3 submitters: Uncertain significance (3). Last evaluated 2025-01-16.

Conditions:
Dilated Cardiomyopathy, Recessive.
PLEKHM2-related disorder. Also called: PLEKHM2-related condition.

Allele frequency attached by ClinVar (database versions not stated): gnomAD exomes 0.00005 and 0.00020; ExAC 0.00006; TOPMed 0.00008; gnomAD 0.00011; 1000 Genomes Project 0.00020.
gnomAD v4.1: 307 of 1,612,502 alleles (0.019%); highest among the groups gnomAD compares: Non-Finnish European, 0.024%; no homozygotes.

Submissions (3):

Labcorp Genetics (formerly Invitae), Labcorp
Classification: Uncertain significance. Last evaluated: 2025-01-16. Review status: criteria provided, single submitter. Criteria: Invitae Variant Classification Sherloc (09022015). Collection method: clinical testing. Allele origin: germline.
Comment: This sequence change replaces arginine, which is basic and polar, with glutamine, which is neutral and polar, at codon 1012 of the PLEKHM2 protein (p.Arg1012Gln). This variant is present in population databases (rs533946132, gnomAD 0.01%). This variant has not been reported in the literature in individuals affected with PLEKHM2-related conditions. ClinVar contains an entry for this variant (Variation ID: 580413). An algorithm developed to predict the effect of missense changes on protein structure and function (PolyPhen-2) suggests that this variant is likely to be disruptive. In summary, the available evidence is currently insufficient to determine the role of this variant in disease. Therefore, it has been classified as a Variant of Uncertain Significance.

PreventionGenetics, part of Exact Sciences
Classification: Uncertain significance for PLEKHM2-related condition. Last evaluated: 2023-07-18. Review status: criteria provided, single submitter. Criteria: ACMG Guidelines, 2015. Collection method: clinical testing. Allele origin: germline.
Comment: The PLEKHM2 c.3035G>A variant is predicted to result in the amino acid substitution p.Arg1012Gln. To our knowledge, this variant has not been reported in the literature. This variant is reported in 0.010% of alleles in individuals of European (Non-Finnish) descent in gnomAD. At this time, the clinical significance of this variant is uncertain due to the absence of conclusive functional and genetic evidence.

Ambry Genetics
Classification: Uncertain significance. Last evaluated: 2022-04-08. Review status: criteria provided, single submitter. Criteria: Ambry Variant Classification Scheme 2023. Collection method: clinical testing. Allele origin: germline.